The following is an entry in ClinVar:

NM_015100.4(POGZ):c.2832T>G (p.Asp944Glu)

Gene: POGZ (pogo transposable element derived with ZNF domain; minus strand). Cytogenetic location: 1q21.3.
Variant type: single nucleotide variant.
Coding change: c.2832T>G on transcript NM_015100.4 (MANE Select); coding-DNA position 2832, T replaced by G.
Protein change: p.Asp944Glu; replaces aspartic acid 944 with glutamic acid.
Molecular consequence: missense variant.
Genome position (GRCh38, 1-based): chr1:151,406,203, A>C on the plus strand (T>G on the coding strand, the complement: POGZ is on the minus strand). VCF-style: chr1-151406203-A-C. GRCh37 (hg19) VCF-style: chr1-151378679-A-C.
Other names: c.2805T>G, p.Asp935Glu (NM_001194937.2); c.2646T>G, p.Asp882Glu (NM_001194938.2); c.2853T>G, p.Asp951Glu (NM_001410860.1); c.2547T>G, p.Asp849Glu (NM_145796.4); c.2673T>G, p.Asp891Glu (NM_207171.2); short protein forms D849E, D882E, D891E, D935E, D944E, D951E.
Identifiers: ClinVar variation 4536426 (VCV004536426.1).

ClinVar aggregate classification (germline): Uncertain significance (1 of 4 stars; one submission).

Submission:

GeneDx
Classification: Uncertain significance. Last evaluated: 2025-06-04. Review status: criteria provided, single submitter. Criteria: GeneDx Variant Classification Process June 2021. Collection method: clinical testing. Allele origin: germline. Affected: yes.
Comment: Not observed at significant frequency in large population cohorts (gnomAD); In silico analysis suggests that this missense variant does not alter protein structure/function; Has not been previously published as pathogenic or benign to our knowledge